The following is an entry in ClinVar:

NM_001110556.2(FLNA):c.2364G>A (p.Glu788=)

Gene: FLNA (filamin A; minus strand). Cytogenetic location: Xq28.
Variant type: single nucleotide variant.
Coding change: c.2364G>A on transcript NM_001110556.2 (MANE Select); coding-DNA position 2364, G replaced by A.
Protein change: p.Glu788=; no amino-acid change (glutamic acid 788 retained).
Molecular consequence: synonymous variant.
Genome position (GRCh38, 1-based): chrX:154,362,701, C>T on the plus strand (G>A on the coding strand, the complement: FLNA is on the minus strand). VCF-style: chrX-154362701-C-T. GRCh37 (hg19) VCF-style: chrX-153591069-C-T.
Other names: c.2364G>A, p.Glu788= (NM_001456.4); c.2364G>A (NM_001110556.1).
Identifiers: ClinVar variation 625949 (VCV000625949.25), dbSNP rs1448428046, ClinGen allele CA519708960.

ClinVar aggregate classification (germline): Likely benign. Review status: criteria provided, multiple submitters, no conflicts (2 of 4 stars). 7 submissions from 7 submitters: Likely benign (6). 1 of the submissions does not count toward it. Last evaluated 2025-12-29.

Conditions:
Familial thoracic aortic aneurysm and aortic dissection (TAAD). Also called: Thoracic aortic aneurysms and dissections. Identifiers: Orphanet 91387, MedGen C4707243, MONDO:0019625.
FLNA-related disorder.
Heterotopia, periventricular, X-linked dominant (PVNH1). Also called: PERIVENTRICULAR NODULAR HETEROTOPIA 4; HETEROTOPIA, PERIVENTRICULAR, 1; PERIVENTRICULAR NODULAR HETEROTOPIA 1; X-linked periventricular heterotopia. Identifiers: Orphanet 2149, Orphanet 82004, MedGen C1848213, MONDO:0010233, OMIM 300049.
Frontometaphyseal dysplasia (FMD1). Identifiers: Orphanet 1826, MedGen C0265293, MONDO:0015942.
Oto-palato-digital syndrome, type II (OPD2). Also called: OPD II SYNDROME; Otopalatodigital Syndrome Type 2 (FLNA-OPD2); Otopalatodigital Syndrome, Type II; FACIOPALATOOSSEOUS SYNDROME. Identifiers: Orphanet 669, Orphanet 90652, MedGen C1844696, MONDO:0010571, OMIM 304120.
Melnick-Needles syndrome (MNS). Also called: MELNICK-NEEDLES OSTEODYSPLASTY; OSTEODYSPLASTY OF MELNICK AND NEEDLES; Melnick-Needles Syndrome (FLNA-MNS). Identifiers: Orphanet 2484, MedGen C0025237, MONDO:0010650, OMIM 309350.
Intestinal pseudoobstruction, neuronal, chronic idiopathic, X-linked (CIIPX). Also called: INTESTINAL PSEUDOOBSTRUCTION, NEURONAL, CHRONIC IDIOPATHIC, WITH CENTRAL NERVOUS SYSTEM INVOLVEMENT; FLNA-Related Periventricular Nodular Heterotopia (FLNA-Related PVNH; Huttenlocher Syndrome); CONGENITAL IDIOPATHIC INTESTINAL PSEUDOOBSTRUCTION. Identifiers: Orphanet 2301, MedGen C2746068, MONDO:0010232, OMIM 300048.
Oto-palato-digital syndrome, type I (OPD1). Also called: Taybi syndrome; OPD I SYNDROME; OPD SYNDROME 1; Otopalatodigital Syndrome Type 1 (FLNA-OPD1); Otopalatodigital Syndrome, Type I. Identifiers: Orphanet 669, Orphanet 90650, MedGen C0265251, MONDO:0010704, OMIM 311300.
Cardiac valvular dysplasia, X-linked (CVDPX). Also called: MYXOMATOUS VALVULAR DYSTROPHY, X-LINKED; VALVULAR HEART DISEASE, CONGENITAL; Congenital valvular dysplasia; Isolated X-Linked Cardiac Valvular Dysplasia; FLNA-Related X-linked Cardiac Valvular Dysplasia. Identifiers: Orphanet 1864, Orphanet 555877, Orphanet 75497, MedGen C0262436, MONDO:0010753, OMIM 314400.
Terminal osseous dysplasia-pigmentary defects syndrome. Also called: ODPF SYNDROME; OSSEOUS DYSPLASIA, DIGITAL, WITH FACIAL PIGMENTARY DEFECTS AND MULTIPLE FRENULA; ODPD; TERMINAL OSSEOUS DYSPLASIA AND PIGMENTARY DEFECTS; Terminal Osseous Dysplasia (FLNA-TOD). Identifiers: Orphanet 88630, MedGen C1846129, MONDO:0010279, OMIM 300244.
Frontometaphyseal dysplasia 1 (FMD1). Also called: Frontometaphyseal Dysplasia (FLNA-FMD). Identifiers: Orphanet 1826, MedGen C4281559, MONDO:0024550, OMIM 305620.
FG syndrome 2 (FGS2). Identifiers: MedGen C1845902, MONDO:0010297, OMIM 300321.

Allele frequency attached by ClinVar (database versions not stated): gnomAD exomes 0.00001; gnomAD 0.00005 and 0.00006; TOPMed 0.00011.
gnomAD v4.1: 53 of 1,209,078 alleles (0.0044%); highest among the groups gnomAD compares: Non-Finnish European, 0.0058%; no homozygotes.

Submissions (7):

Labcorp Genetics (formerly Invitae), Labcorp
Classification: Likely benign for Oto-palato-digital syndrome, type II; Heterotopia, periventricular, X-linked dominant; Frontometaphyseal dysplasia; Melnick-Needles syndrome. Last evaluated: 2025-12-29. Review status: criteria provided, single submitter. Criteria: Invitae Variant Classification Sherloc (09022015). Collection method: clinical testing. Allele origin: germline.

CeGaT Center for Human Genetics Tuebingen
Classification: Likely benign. Last evaluated: 2025-09-01. Review status: criteria provided, single submitter. Criteria: CeGaT Center For Human Genetics Tuebingen Variant Classification Criteria Version 2. Collection method: clinical testing. Allele origin: germline. Affected: yes. Observed: 1 variant allele.
Comment: FLNA: BP4, BP7, BS2

ARUP Laboratories, Molecular Genetics and Genomics, ARUP Laboratories
Classification: Likely benign. Last evaluated: 2023-09-06. Review status: criteria provided, single submitter. Criteria: ARUP Molecular Germline Variant Investigation Process 2024. Collection method: clinical testing. Allele origin: germline.

Ambry Genetics
Classification: Likely benign for Familial thoracic aortic aneurysm and aortic dissection. Last evaluated: 2022-09-05. Review status: criteria provided, single submitter. Criteria: Ambry Variant Classification Scheme 2023. Collection method: clinical testing. Allele origin: germline.

GeneDx
Classification: Likely benign. Last evaluated: 2021-05-01. Review status: criteria provided, single submitter. Criteria: GeneDx Variant Classification Process June 2021. Collection method: clinical testing. Allele origin: germline. Affected: yes.

Center for Genomics, Ann and Robert H. Lurie Children's Hospital of Chicago
Classification: Likely benign for Oto-palato-digital syndrome, type II; Intestinal pseudoobstruction, neuronal, chronic idiopathic, X-linked; Cardiac valvular dysplasia, X-linked; FG syndrome 2; Melnick-Needles syndrome; Terminal osseous dysplasia-pigmentary defects syndrome; Oto-palato-digital syndrome, type I; Heterotopia, periventricular, X-linked dominant; Frontometaphyseal dysplasia 1. Review status: criteria provided, single submitter. Criteria: ACMG Guidelines, 2015. Collection method: clinical testing. Allele origin: germline.
Comment: FLNA NM_001456.3 exon 16 p.Glu788= (c.2364G>A): This variant has not been reported in the literature and is not present in large control databases. Evolutionary conservation and computational predictive tools for this variant are limited or unavailable. Of note, this variant is a silent variant and does not change the amino acid, reducing the probability that this variant is disease causing. In summary, data on this variant is insufficient for disease classification. Therefore, the clinical significance of this variant is uncertain.

PreventionGenetics, part of Exact Sciences
Classification: Likely benign for FLNA-related condition. Last evaluated: 2019-02-22. Review status: no assertion criteria provided. Collection method: clinical testing. Allele origin: germline. Not counted in ClinVar's aggregate classification.
Comment: This variant is classified as likely benign based on ACMG/AMP sequence variant interpretation guidelines (Richards et al. 2015 PMID: 25741868, with internal and published modifications).